The following is an entry in ClinVar:

NM_020745.4(AARS2):c.268G>C (p.Val90Leu)

Gene: AARS2 (alanyl-tRNA synthetase 2, mitochondrial; minus strand). Cytogenetic location: 6p21.1.
Variant type: single nucleotide variant.
Coding change: c.268G>C on transcript NM_020745.4 (MANE Select); coding-DNA position 268, G replaced by C.
Protein change: p.Val90Leu; replaces valine 90 with leucine.
Molecular consequence: missense variant.
Genome position (GRCh38, 1-based): chr6:44,312,239, C>G on the plus strand (G>C on the coding strand, the complement: AARS2 is on the minus strand). VCF-style: chr6-44312239-C-G. GRCh37 (hg19) VCF-style: chr6-44279976-C-G.
Other names: p.V90L:GTG>CTG; short protein forms V90L.
Identifiers: ClinVar variation 213948 (VCV000213948.5), dbSNP rs863223860, ClinGen allele CA324361.

ClinVar aggregate classification (germline): Conflicting classifications of pathogenicity. Review status: criteria provided, conflicting classifications (1 of 4 stars). 2 submissions from 2 submitters: Uncertain significance (1); Likely benign (1). Last evaluated 2018-01-13.

Conditions:
Combined oxidative phosphorylation defect type 8. Also called: CARDIOMYOPATHY, HYPERTROPHIC MITOCHONDRIAL, FATAL INFANTILE. Identifiers: Orphanet 319504, MedGen C4518839, MONDO:0013570, OMIM 614096.

Allele frequency attached by ClinVar (database versions not stated): gnomAD 0.00001; TOPMed 0.00001.
gnomAD v4.1: 36 of 1,613,786 alleles (0.0022%); highest among the groups gnomAD compares: Non-Finnish European, 0.0029%; no homozygotes.

Submissions (2):

Illumina Laboratory Services, Illumina
Classification: Uncertain significance for Combined oxidative phosphorylation defect type 8. Last evaluated: 2018-01-13. Review status: criteria provided, single submitter. Criteria: ICSL Variant Classification Criteria 13 December 2019. Collection method: clinical testing. Allele origin: germline.

GeneDx
Classification: Likely benign. Last evaluated: 2012-08-23. Review status: criteria provided, single submitter. Criteria: GeneDx Variant Classification (06012015). Collection method: clinical testing. Allele origin: germline. Affected: yes.
Comment: This variant is considered likely benign or benign based on one or more of the following criteria: it is a conservative change, it occurs at a poorly conserved position in the protein, it is predicted to be benign by multiple in silico algorithms, and/or has population frequency not consistent with disease.